The following is an entry in ClinVar:

ClinVar aggregate classification (germline): Uncertain significance. Review status: criteria provided, multiple submitters, no conflicts (2 of 4 stars). 2 submissions from 2 submitters: Uncertain significance (2). Last evaluated 2026-02-01.

Conditions:
Inborn genetic diseases. Identifiers: MedGen C0950123, MeSH D030342.

Allele frequency attached by ClinVar (database versions not stated): ExAC 0.00002; gnomAD 0.00002.
gnomAD v4.1: 16 of 1,613,958 alleles (0.00099%); highest among the groups gnomAD compares: East Asian, 0.011%; no homozygotes.

Submissions (2):

Labcorp Genetics (formerly Invitae), Labcorp
Classification: Uncertain significance. Last evaluated: 2026-02-01. Review status: criteria provided, single submitter. Criteria: Invitae Variant Classification Sherloc (09022015). Collection method: clinical testing. Allele origin: germline.
Comment: This sequence change replaces histidine, which is basic and polar, with arginine, which is basic and polar, at codon 1044 of the KMT2E protein (p.His1044Arg). This variant is present in population databases (rs777151852, gnomAD 0.004%). This variant has not been reported in the literature in individuals affected with KMT2E-related conditions. ClinVar contains an entry for this variant (Variation ID: 2186033). An algorithm developed to predict the effect of missense changes on protein structure and function (PolyPhen-2) suggests that this variant is likely to be tolerated. In summary, the available evidence is currently insufficient to determine the role of this variant in disease. Therefore, it has been classified as a Variant of Uncertain Significance.

Ambry Genetics
Classification: Uncertain significance for Inborn genetic diseases. Last evaluated: 2025-01-21. Review status: criteria provided, single submitter. Criteria: Ambry Variant Classification Scheme 2023. Collection method: clinical testing. Allele origin: germline.

NM_182931.3(KMT2E):c.3131A>G (p.His1044Arg)

Gene: KMT2E (lysine methyltransferase 2E (inactive); plus strand). Cytogenetic location: 7q22.3.
Variant type: single nucleotide variant.
Coding change: c.3131A>G on transcript NM_182931.3 (MANE Select); coding-DNA position 3131, A replaced by G.
Protein change: p.His1044Arg; replaces histidine 1044 with arginine.
Molecular consequence: missense variant.
Genome position (GRCh38, 1-based): chr7:105,107,588, A>G. VCF-style: chr7-105107588-A-G. GRCh37 (hg19) VCF-style: chr7-104748035-A-G.
Other names: c.3131A>G, p.His1044Arg (NM_001410908.1, NM_018682.4); c.3131A>G (NM_182931.2); short protein forms H1044R.
Identifiers: ClinVar variation 2186033 (VCV002186033.3), dbSNP rs777151852, ClinGen allele CA4424409.